The following is an entry in ClinVar:

NM_153704.6(TMEM67):c.2981_2982insTTTTTTTTTTTTTTTTTTTTNNNNNNNNNNCTGACCTCGTGATCCGCCCGCCTCGGCCTCCCAAAGTGCTGGGATTACAGGCGTGAGCCACCGCGCCCGGCCGGATCAAAGATTTTT (p.Leu994delinsPhePhePhePhePhePhePheXaaXaaXaaXaaTer)

Gene: TMEM67 (transmembrane protein 67; plus strand). Cytogenetic location: 8q22.1.
Variant type: Insertion.
Coding change: c.2981_2982insTTTTTTTTTTTTTTTTTTTTNNNNNNNNNNCTGACCTCGTGATCCGCCCGCCTCGGCCTCCCAAAGTGCTGGGATTACAGGCGTGAGCCACCGCGCCCGGCCGGATCAAAGATTTTT on transcript NM_153704.6 (MANE Select); coding-DNA positions 2981 to 2982, TTTTTTTTTTTTTTTTTTTTNNNNNNNNNNCTGACCTCGTGATCCGCCCGCCTCGGCCTCCCAAAGTGCTGGGATTACAGGCGTGAGCCACCGCGCCCGGCCGGATCAAAGATTTTT inserted.
Protein change: p.Leu994delinsPhePhePhePhePhePhePheXaaXaaXaaXaaTer.
Molecular consequence: nonsense. On other transcripts: non-coding transcript variant (1).
Genome position: GRCh38: chr8:93,816,445-93,816,446. GRCh37 (hg19): chr8:94,828,673-94,828,674.
Other names: c.2738_2739insTTTTTTTTTTTTTTTTTTTTNNNNNNNNNNCTGACCTCGTGATCCGCCCGCCTCGGCCTCCCAAAGTGCTGGGATTACAGGCGTGAGCCACCGCGCCCGGCCGGATCAAAGATTTTT, p.Leu913delinsPhePhePhePhePhePhePheXaaXaaXaaXaaTer (NM_001142301.1).
Identifiers: ClinVar variation 1376382 (VCV001376382.6), dbSNP rs2130802792.

ClinVar aggregate classification (germline): Uncertain significance (1 of 4 stars; one submission).

Conditions:
Joubert syndrome. Also called: CEREBELLOPARENCHYMAL DISORDER IV; JOUBERT-BOLTSHAUSER SYNDROME; Familial aplasia of the vermis. Identifiers: Orphanet 475, MedGen C5979921, MONDO:0018772.
Meckel-Gruber syndrome. Also called: DYSENCEPHALIA SPLANCHNOCYSTICA; GRUBER SYNDROME; Dysencephalia splachnocystica. Identifiers: Orphanet 564, MedGen C0265215, MONDO:0018921.

Submission:

Labcorp Genetics (formerly Invitae), Labcorp
Classification: Uncertain significance for Joubert syndrome; Meckel-Gruber syndrome. Last evaluated: 2021-06-18. Review status: criteria provided, single submitter. Criteria: Invitae Variant Classification Sherloc (09022015). Collection method: clinical testing. Allele origin: germline.
Comment: This variant has not been reported in the literature in individuals with TMEM67-related conditions. This variant is not present in population databases (ExAC no frequency). This sequence change inserts a large fragment of DNA, likely a transposable element, in exon 28 of the TMEM67 gene (c.2981_2982ins?), causing a frameshift at codon 993 (p.Leu994fs). The exact size and sequence of the insertion cannot be determined by the current assay. However, the insertion is expected to result in an absent or disrupted protein product. Algorithms developed to predict the effect of sequence changes on RNA splicing suggest that this variant may create or strengthen a splice site, but this prediction has not been confirmed by published transcriptional studies. In summary, the available evidence is currently insufficient to determine the role of this variant in disease. Therefore, it has been classified as a Variant of Uncertain Significance. Retrotransposon insertions including LINE1 (L1), Alu, and SVA (SINE-VNTR-Alu) have been reported to disrupt protein function (PMID: 19763152, 20307669, 22406018). However the effect of this particular variant is unknown.

Literature cited by the submitters: PubMed 19763152; PubMed 20307669; PubMed 22406018.